The following is an entry in ClinVar:

NM_000376.3(VDR):c.1016T>C (p.Val339Ala)

Gene: VDR (vitamin D receptor; minus strand). Cytogenetic location: 12q13.11.
Variant type: single nucleotide variant.
Coding change: c.1016T>C on transcript NM_000376.3 (MANE Select); coding-DNA position 1016, T replaced by C.
Protein change: p.Val339Ala; replaces valine 339 with alanine.
Molecular consequence: missense variant.
Genome position (GRCh38, 1-based): chr12:47,846,343, A>G on the plus strand (T>C on the coding strand, the complement: VDR is on the minus strand). VCF-style: chr12-47846343-A-G. GRCh37 (hg19) VCF-style: chr12-48240126-A-G.
Other names: c.1016T>C, p.Val339Ala (NM_001017535.2, NM_001364085.2, NM_001374661.1 and 1 more transcripts); c.1166T>C, p.Val389Ala (NM_001017536.2); short protein forms V339A, V389A.
Identifiers: ClinVar variation 860001 (VCV000860001.16), dbSNP rs187843998, ClinGen allele CA6533801.

ClinVar aggregate classification (germline): Conflicting classifications of pathogenicity. Review status: criteria provided, conflicting classifications (1 of 4 stars). 5 submissions from 5 submitters: Uncertain significance (4); Likely benign (1). Last evaluated 2026-02-13.

Conditions:
Vitamin D-dependent rickets type II with alopecia (VDDR2A). Also called: GENERALIZED RESISTANCE TO 1,25-DIHYDROXYVITAMIN D; HYPOCALCEMIC VITAMIN D-RESISTANT RICKETS; PDDR IIA; PSEUDOVITAMIN D-DEFICIENCY, TYPE IIA; RICKETS, HEREDITARY VITAMIN D-RESISTANT; RICKETS-ALOPECIA SYNDROME. Identifiers: Orphanet 93160, MedGen C0342646, MONDO:0010186, OMIM 277440.

Allele frequency attached by ClinVar (database versions not stated): 1000 Genomes Project 30x 0.00016; 1000 Genomes Project 0.00020; gnomAD exomes 0.00027 and 0.00053; gnomAD 0.00035 and 0.00034; TOPMed 0.00028; ExAC 0.00031; ESP Exome Variant Server 0.00031.
gnomAD v4.1: 807 of 1,607,354 alleles (0.05%); highest among the groups gnomAD compares: Non-Finnish European, 0.066%; 3 homozygotes.

Submissions (5):

Women's Health and Genetics/Laboratory Corporation of America, LabCorp
Classification: Uncertain significance. Last evaluated: 2026-02-13. Review status: criteria provided, single submitter. Criteria: LabCorp Variant Classification Summary - May 2015. Collection method: clinical testing. Allele origin: germline.
Comment: Variant summary: VDR c.1016T>C (p.Val339Ala) results in a non-conservative amino acid change in the encoded protein sequence. Algorithms developed to predict the effect of missense changes on protein structure and function are either unavailable or do not agree on the potential impact of this missense change. The variant allele was found at a frequency of 0.00027 in 239048 control chromosomes. This frequency is not significantly higher than estimated for disease-causing variants in VDR, allowing no conclusion about variant significance. To our knowledge, no occurrence of c.1016T>C in individuals affected with VDR-related conditions and no experimental evidence demonstrating its impact on protein function have been reported. The following publications have been ascertained in the context of this evaluation (PMID: 25299611, 40278307). ClinVar contains an entry for this variant (Variation ID: 860001). Based on the evidence outlined above, the variant was classified as uncertain significance.

Labcorp Genetics (formerly Invitae), Labcorp
Classification: Uncertain significance. Last evaluated: 2024-06-10. Review status: criteria provided, single submitter. Criteria: Invitae Variant Classification Sherloc (09022015). Collection method: clinical testing. Allele origin: germline.
Comment: This sequence change replaces valine, which is neutral and non-polar, with alanine, which is neutral and non-polar, at codon 339 of the VDR protein (p.Val339Ala). This variant is present in population databases (rs187843998, gnomAD 0.05%). This variant has not been reported in the literature in individuals affected with VDR-related conditions. ClinVar contains an entry for this variant (Variation ID: 860001). Advanced modeling of protein sequence and biophysical properties (such as structural, functional, and spatial information, amino acid conservation, physicochemical variation, residue mobility, and thermodynamic stability) performed at Invitae indicates that this missense variant is not expected to disrupt VDR protein function with a negative predictive value of 80%. In summary, the available evidence is currently insufficient to determine the role of this variant in disease. Therefore, it has been classified as a Variant of Uncertain Significance.

Fulgent Genetics
Classification: Likely benign for Vitamin D-dependent rickets type II with alopecia. Last evaluated: 2024-04-24. Review status: criteria provided, single submitter. Criteria: ACMG Guidelines, 2015. Collection method: clinical testing. Allele origin: germline.

Revvity Omics, Revvity
Classification: Uncertain significance for Vitamin D-dependent rickets type II with alopecia. Last evaluated: 2021-12-17. Review status: criteria provided, single submitter. Criteria: ACMG Guidelines, 2015. Collection method: clinical testing. Allele origin: germline.

Illumina Laboratory Services, Illumina
Classification: Uncertain significance for Vitamin D-dependent rickets type II with alopecia. Last evaluated: 2017-04-27. Review status: criteria provided, single submitter. Criteria: ICSL Variant Classification Criteria 13 December 2019. Collection method: clinical testing. Allele origin: germline.

Literature cited by the submitters: PubMed 25299611 (cited by Women's Health and Genetics/Laboratory Corporation of America, LabCorp); PubMed 40278307 (cited by Women's Health and Genetics/Laboratory Corporation of America, LabCorp).